The following is an entry in ClinVar:

NM_004415.4(DSP):c.2794-7T>C

Gene: DSP (desmoplakin; plus strand). Cytogenetic location: 6p24.3.
Variant type: single nucleotide variant.
Coding change: c.2794-7T>C on transcript NM_004415.4 (MANE Select); 7 bases into the intron before coding-DNA position 2794, T replaced by C.
Molecular consequence: intron variant.
Genome position (GRCh38, 1-based): chr6:7,576,952, T>C. VCF-style: chr6-7576952-T-C. GRCh37 (hg19) VCF-style: chr6-7577185-T-C.
Other names: c.2794-7T>C (NM_001319034.2, NM_001008844.3).
Identifiers: ClinVar variation 44884 (VCV000044884.11), dbSNP rs397516926, ClinGen allele CA005616.

ClinVar aggregate classification (germline): Likely benign. Review status: criteria provided, multiple submitters, no conflicts (2 of 4 stars). 4 submissions from 4 submitters: Likely benign (3). 1 of the submissions does not count toward it. Last evaluated 2025-04-09.

Conditions:
Arrhythmogenic cardiomyopathy with wooly hair and keratoderma. Also called: Dilated cardiomyopathy with woolly hair and keratoderma; Arrhythmogenic cardiomyopathy with woolly hair and keratoderma; PALMOPLANTAR KERATODERMA WITH LEFT VENTRICULAR CARDIOMYOPATHY AND WOOLLY HAIR; Carvajal syndrome. Identifiers: Orphanet 65282, MedGen C1854063, MONDO:0011581, OMIM 605676.
Arrhythmogenic right ventricular dysplasia 8 (ARVD8). Also called: Arrhythmogenic Right Ventricular Dysplasia/Cardiomyopathy 8; ARRHYTHMOGENIC RIGHT VENTRICULAR DYSPLASIA, FAMILIAL, 8; ARRHYTHMOGENIC RIGHT VENTRICULAR CARDIOMYOPATHY 8. Identifiers: MedGen C1843896, MONDO:0011831, OMIM 607450.
Cardiomyopathy (CMYO). Also called: Cardiomyopathies. Identifiers: Orphanet 167848, MedGen C0878544, MONDO:0004994, HP:0001638. Inheritance: Various modes of inheritance.

Allele frequency attached by ClinVar (database versions not stated): gnomAD exomes below 0.00001.
gnomAD v4.1: 1 of 1,611,856 alleles (0.000062%); highest among the groups gnomAD compares: Non-Finnish European, 0.000085%; no homozygotes.

Submissions (4):

Labcorp Genetics (formerly Invitae), Labcorp
Classification: Likely benign for Arrhythmogenic cardiomyopathy with wooly hair and keratoderma; Arrhythmogenic right ventricular dysplasia 8. Last evaluated: 2025-04-09. Review status: criteria provided, single submitter. Criteria: Invitae Variant Classification Sherloc (09022015). Collection method: clinical testing. Allele origin: germline.

Color Diagnostics, LLC DBA Color Health
Classification: Likely benign for Cardiomyopathy. Last evaluated: 2018-12-21. Review status: criteria provided, single submitter. Criteria: ACMG Guidelines, 2015. Collection method: clinical testing. Allele origin: germline.

GeneDx
Classification: Likely benign. Last evaluated: 2016-03-04. Review status: criteria provided, single submitter. Criteria: GeneDx Variant Classification (06012015). Collection method: clinical testing. Allele origin: germline. Affected: yes.
Comment: This variant is considered likely benign or benign based on one or more of the following criteria: it is a conservative change, it occurs at a poorly conserved position in the protein, it is predicted to be benign by multiple in silico algorithms, and/or has population frequency not consistent with disease.

Laboratory for Molecular Medicine, Mass General Brigham Personalized Medicine
Classification: Uncertain significance. Last evaluated: 2009-09-23. Review status: no assertion criteria provided. Collection method: clinical testing. Allele origin: germline. Observed: 2 variant alleles. Not counted in ClinVar's aggregate classification.